The following is an entry in ClinVar:

ClinVar aggregate classification (germline): Uncertain significance. Review status: criteria provided, multiple submitters, no conflicts (2 of 4 stars). 2 submissions from 2 submitters: Uncertain significance (2). Last evaluated 2023-05-04.

Allele frequency attached by ClinVar (database versions not stated): ExAC 0.00001; gnomAD exomes 0.00001; TOPMed 0.00001; ESP Exome Variant Server 0.00008.

Submissions (2):

Clinical Genetics Laboratory, Skane University Hospital Lund
Classification: Uncertain significance. Last evaluated: 2023-05-04. Review status: criteria provided, single submitter. Criteria: ACMG Guidelines, 2015. Collection method: clinical testing. Allele origin: germline. Affected: yes.

GeneDx
Classification: Uncertain significance. Last evaluated: 2022-10-24. Review status: criteria provided, single submitter. Criteria: GeneDx Variant Classification Process June 2021. Collection method: clinical testing. Allele origin: germline. Affected: yes.
Comment: In silico analysis supports that this missense variant has a deleterious effect on protein structure/function; Has not been previously published as pathogenic or benign to our knowledge; This variant is associated with the following publications: (PMID: 26100331, 25512093, 25609763)

NM_001376.5(DYNC1H1):c.1976C>T (p.Thr659Met)

Gene: DYNC1H1 (dynein cytoplasmic 1 heavy chain 1; plus strand). Cytogenetic location: 14q32.31.
Variant type: single nucleotide variant.
Coding change: c.1976C>T on transcript NM_001376.5 (MANE Select); coding-DNA position 1976, C replaced by T.
Protein change: p.Thr659Met; replaces threonine 659 with methionine.
Molecular consequence: missense variant.
Genome position (GRCh38, 1-based): chr14:101,986,201, C>T. VCF-style: chr14-101986201-C-T. GRCh37 (hg19) VCF-style: chr14-102452538-C-T.
Other names: short protein forms T659M.
Identifiers: ClinVar variation 2499943 (VCV002499943.2), dbSNP rs369703045, ClinGen allele CA7351756.